The following is an entry in ClinVar:

ClinVar aggregate classification (germline): Uncertain significance (1 of 4 stars; one submission).

Conditions:
Myofibrillar myopathy 5. Also called: FILAMINOPATHY, AUTOSOMAL DOMINANT; Filaminopathy (type). Identifiers: Orphanet 171445, MedGen C1836050, MONDO:0012289, OMIM 609524.
Hypertrophic cardiomyopathy 26. Also called: Cardiomyopathy, familial hypertrophic, 26. Identifiers: Orphanet 75249, MedGen C4310749, MONDO:0014883, OMIM 617047.
Distal myopathy with posterior leg and anterior hand involvement. Also called: WILLIAMS DISTAL MYOPATHY. Identifiers: Orphanet 63273, MedGen C3279722, MONDO:0013550, OMIM 614065.

Submission:

Labcorp Genetics (formerly Invitae), Labcorp
Classification: Uncertain significance for Distal myopathy with posterior leg and anterior hand involvement; Myofibrillar myopathy 5; Hypertrophic cardiomyopathy 26. Last evaluated: 2023-12-28. Review status: criteria provided, single submitter. Criteria: Invitae Variant Classification Sherloc (09022015). Collection method: clinical testing. Allele origin: germline.
Comment: This sequence change replaces alanine, which is neutral and non-polar, with serine, which is neutral and polar, at codon 1368 of the FLNC protein (p.Ala1368Ser). This variant is not present in population databases (gnomAD no frequency). This variant has not been reported in the literature in individuals affected with FLNC-related conditions. Algorithms developed to predict the effect of missense changes on protein structure and function output the following: SIFT: "Not Available"; PolyPhen-2: "Benign"; Align-GVGD: "Not Available". The serine amino acid residue is found in multiple mammalian species, which suggests that this missense change does not adversely affect protein function. In summary, the available evidence is currently insufficient to determine the role of this variant in disease. Therefore, it has been classified as a Variant of Uncertain Significance.

NM_001458.5(FLNC):c.4102G>T (p.Ala1368Ser)

Gene: FLNC (filamin C; plus strand). Cytogenetic location: 7q32.1.
Variant type: single nucleotide variant.
Coding change: c.4102G>T on transcript NM_001458.5 (MANE Select); coding-DNA position 4102, G replaced by T.
Protein change: p.Ala1368Ser; replaces alanine 1368 with serine.
Molecular consequence: missense variant.
Genome position (GRCh38, 1-based): chr7:128,846,438, G>T. VCF-style: chr7-128846438-G-T. GRCh37 (hg19) VCF-style: chr7-128486492-G-T.
Other names: c.4102G>T, p.Ala1368Ser (NM_001127487.2); short protein forms A1368S.
Identifiers: ClinVar variation 2921765 (VCV002921765.3), dbSNP rs2128936903, ClinGen allele CA369199117.